The following is an entry in ClinVar:

ClinVar aggregate classification (germline): Conflicting classifications of pathogenicity. Review status: criteria provided, conflicting classifications (1 of 4 stars). 3 submissions from 3 submitters: Uncertain significance (1); Likely benign (2). Last evaluated 2025-07-03.

Conditions:
Long QT syndrome (LQTS). Identifiers: MedGen C0023976, MeSH D008133, MONDO:0002442. Disease mechanism: loss of function. Inheritance: Various modes of inheritance.
Cardiovascular phenotype. Identifiers: MedGen CN230736.

Allele frequency attached by ClinVar (database versions not stated): TOPMed 0.00001; gnomAD 0.00003.
gnomAD v4.1: 6 of 1,613,936 alleles (0.00037%); highest among the groups gnomAD compares: African/African-American, 0.008%; no homozygotes.

Submissions (3):

Labcorp Genetics (formerly Invitae), Labcorp
Classification: Likely benign for Long QT syndrome. Last evaluated: 2025-07-03. Review status: criteria provided, single submitter. Criteria: Invitae Variant Classification Sherloc (09022015). Collection method: clinical testing. Allele origin: germline.

GeneDx
Classification: Uncertain significance. Last evaluated: 2023-10-23. Review status: criteria provided, single submitter. Criteria: GeneDx Variant Classification Process June 2021. Collection method: clinical testing. Allele origin: germline. Affected: yes.
Comment: Not observed at significant frequency in large population cohorts (gnomAD); In silico analysis supports that this variant does not alter splicing; Has not been previously published as pathogenic or benign to our knowledge

Ambry Genetics
Classification: Likely benign for Cardiovascular phenotype. Last evaluated: 2023-07-21. Review status: criteria provided, single submitter. Criteria: Ambry Variant Classification Scheme 2023. Collection method: clinical testing. Allele origin: germline.

NM_001148.6(ANK2):c.3984C>G (p.Ala1328=)

Gene: ANK2 (ankyrin 2; plus strand). Cytogenetic location: 4q26.
Variant type: single nucleotide variant.
Coding change: c.3984C>G on transcript NM_001148.6 (MANE Select); coding-DNA position 3984, C replaced by G.
Protein change: p.Ala1328=; no amino-acid change (alanine 1328 retained).
Molecular consequence: synonymous variant.
Genome position (GRCh38, 1-based): chr4:113,341,778, C>G. VCF-style: chr4-113341778-C-G. GRCh37 (hg19) VCF-style: chr4-114262934-C-G.
Other names: c.3957C>G, p.Ala1319= (NM_001127493.3); c.3996C>G, p.Ala1332= (NM_001354225.2); c.3885C>G, p.Ala1295= (NM_001354228.2, NM_001354258.2); c.3963C>G, p.Ala1321= (NM_001354230.2); c.4026C>G, p.Ala1342= (NM_001354231.2, NM_001354242.2); c.4020C>G, p.Ala1340= (NM_001354232.2); c.3981C>G, p.Ala1327= (NM_001354235.2, NM_001354246.2, NM_001354265.2); c.3882C>G, p.Ala1294= (NM_001354236.2); and 31 more.
Identifiers: ClinVar variation 2624671 (VCV002624671.4), dbSNP rs771705870, ClinGen allele CA3050969.